The following is an entry in ClinVar:

ClinVar aggregate classification (germline): Conflicting classifications of pathogenicity. Review status: criteria provided, conflicting classifications (1 of 4 stars). 3 submissions from 3 submitters: Pathogenic (1); Likely pathogenic (1); Uncertain significance (1). Last evaluated 2025-02-24.

Conditions:
Biotin-responsive basal ganglia disease (BTBGD). Also called: Thiamine metabolism dysfunction syndrome type 2; THIAMINE METABOLISM DYSFUNCTION SYNDROME 2 (BIOTIN- AND THIAMINE-RESPONSIVE TYPE); Thiamine Transporter-2 Deficiency; Thiamine metabolism dysfunction syndrome 2 (biotin- or thiamine-responsive encephalopathy type 2); thiamine-responsive encephalopathy. Identifiers: Orphanet 199348, Orphanet 65284, MedGen C1843807, MONDO:0011841, OMIM 607483.

Allele frequency attached by ClinVar (database versions not stated): ExAC 0.00001; gnomAD exomes 0.00001; TOPMed 0.00001; ESP Exome Variant Server 0.00015.
gnomAD v4.1: 7 of 1,613,972 alleles (0.00043%); highest among the groups gnomAD compares: Non-Finnish European, 0.00051%; no homozygotes.

Submissions (3):

Labcorp Genetics (formerly Invitae), Labcorp
Classification: Uncertain significance for Biotin-responsive basal ganglia disease. Last evaluated: 2025-02-24. Review status: criteria provided, single submitter. Criteria: Invitae Variant Classification Sherloc (09022015). Collection method: clinical testing. Allele origin: germline.
Comment: This sequence change affects a donor splice site in intron 5 of the SLC19A3 gene. While this variant is not anticipated to result in nonsense mediated decay, it likely alters RNA splicing and results in a disrupted protein product. This variant is present in population databases (rs141957107, gnomAD 0.003%). Disruption of this splice site has been observed in individual(s) with clinical features of SLC19A3-related conditions (PMID: 36657988). ClinVar contains an entry for this variant (Variation ID: 265591). Variants that disrupt the consensus splice site are a relatively common cause of aberrant splicing (PMID: 17576681, 9536098). Algorithms developed to predict the effect of sequence changes on RNA splicing suggest that this variant may disrupt the consensus splice site. In summary, the available evidence is currently insufficient to determine the role of this variant in disease. Therefore, it has been classified as a Variant of Uncertain Significance.

Fulgent Genetics
Classification: Likely pathogenic for Biotin-responsive basal ganglia disease. Last evaluated: 2024-05-23. Review status: criteria provided, single submitter. Criteria: ACMG Guidelines, 2015. Collection method: clinical testing. Allele origin: germline.

GeneDx
Classification: Pathogenic. Last evaluated: 2022-03-02. Review status: criteria provided, single submitter. Criteria: GeneDx Variant Classification Process June 2021. Collection method: clinical testing. Allele origin: germline. Affected: yes.
Comment: Canonical splice site variant in a gene for which loss-of-function is a known mechanism of disease; Not observed at significant frequency in large population cohorts (gnomAD); Has not been previously published as pathogenic or benign to our knowledge

Literature cited by the submitters: PubMed 36657988 (cited by Labcorp Genetics (formerly Invitae), Labcorp); PubMed 17576681 (cited by Labcorp Genetics (formerly Invitae), Labcorp); PubMed 9536098 (cited by Labcorp Genetics (formerly Invitae), Labcorp).

NM_025243.4(SLC19A3):c.1314+1G>A

Gene: SLC19A3 (solute carrier family 19 member 3; minus strand). Cytogenetic location: 2q36.3.
Variant type: single nucleotide variant.
Coding change: c.1314+1G>A on transcript NM_025243.4 (MANE Select); the canonical splice donor site of the intron after coding-DNA position 1314, G replaced by A.
Molecular consequence: splice donor variant.
Genome position (GRCh38, 1-based): chr2:227,688,165, C>T on the plus strand (G>A on the coding strand, the complement: SLC19A3 is on the minus strand). VCF-style: chr2-227688165-C-T. GRCh37 (hg19) VCF-style: chr2-228552881-C-T.
Other names: c.1302+1G>A (NM_001371413.1, NM_001371414.1); c.1314+1G>A (NM_001371411.1, NM_001371412.1).
Identifiers: ClinVar variation 265591 (VCV000265591.10), dbSNP rs141957107, ClinGen allele CA2149110.